The following is an entry in ClinVar:

NM_000048.4(ASL):c.978G>C (p.Gln326His)

Gene: ASL (argininosuccinate lyase; plus strand). Cytogenetic location: 7q11.21.
Variant type: single nucleotide variant.
Coding change: c.978G>C on transcript NM_000048.4 (MANE Select); coding-DNA position 978, G replaced by C.
Protein change: p.Gln326His; replaces glutamine 326 with histidine.
Molecular consequence: missense variant. On other transcripts: intron variant (1).
Genome position (GRCh38, 1-based): chr7:66,089,335, G>C. VCF-style: chr7-66089335-G-C. GRCh37 (hg19) VCF-style: chr7-65554322-G-C.
Other names: c.978G>C, p.Gln326His (NM_001024943.2); c.900G>C, p.Gln300His (NM_001024946.2); c.918+160G>C (NM_001024944.2); short protein forms Q326H, Q300H.
Identifiers: ClinVar variation 426324 (VCV000426324.18), dbSNP rs764356037, ClinGen allele CA4277213.

ClinVar aggregate classification (germline): Pathogenic/Likely pathogenic. Review status: criteria provided, multiple submitters, no conflicts (2 of 4 stars). 9 submissions from 9 submitters: Pathogenic (2); Likely pathogenic (7). Last evaluated 2025-06-23.

Conditions:
Argininosuccinate lyase deficiency. Also called: Argininosuccinic aciduria; ARGININOSUCCINIC ACID LYASE DEFICIENCY; ASL DEFICIENCY. Identifiers: Orphanet 23, MedGen C0268547, MONDO:0008815, OMIM 207900, HP:0025630.

Allele frequency attached by ClinVar (database versions not stated): ExAC 0.00004; gnomAD exomes 0.00001.
gnomAD v4.1: 5 of 1,603,708 alleles (0.00031%); highest among the groups gnomAD compares: South Asian, 0.0033%; no homozygotes.

Submissions (9):

Women's Health and Genetics/Laboratory Corporation of America, LabCorp
Classification: Likely pathogenic for Argininosuccinate lyase deficiency. Last evaluated: 2025-06-23. Review status: criteria provided, single submitter. Criteria: LabCorp Variant Classification Summary - May 2015. Collection method: clinical testing. Allele origin: germline.
Comment: Variant summary: ASL c.978G>C (p.Gln326His) results in a non-conservative amino acid change in the encoded protein sequence. Algorithms developed to predict the effect of missense changes on protein structure and function all suggest that this variant is likely to be disruptive. Several computational tools predict a significant impact on normal splicing: Two predict the variant abolishes a 5 splicing donor site. Two predict the variant weakens a 5' donor site. However, these predictions have yet to be confirmed by functional studies. The variant allele was found at a frequency of 1.3e-05 in 229934 control chromosomes. c.978G>C has been observed in individuals affected with Argininosuccinic Aciduria (Bamer_2014, Bijarnia-Mahay_2018). These data indicate that the variant may be associated with disease. To our knowledge, no experimental evidence demonstrating an impact on protein function has been reported. The following publications have been ascertained in the context of this evaluation (PMID: 24166829, 30285816). ClinVar contains an entry for this variant (Variation ID: 426324). Based on the evidence outlined above, the variant was classified as likely pathogenic.

Natera, Inc.
Classification: Likely pathogenic for Argininosuccinate lyase deficiency. Last evaluated: 2024-04-11. Review status: criteria provided, single submitter. Criteria: Natera Variant Classification Schema (03/2026). Collection method: clinical testing. Allele origin: germline.
Comment: The c.978G>C variant in ASL is a missense variant predicted to cause substitution of glutamine to histidine at amino acid 326. This variant is rare in the general population with a frequency below the threshold expected for the associated phenotype(s). This variant has been observed in one or more individuals affected with the associated recessive disease, as either homozygous or compound heterozygous with a second variant (PMID: 24166829, 30285816). This variant has been identified in one or more affected individuals with a phenotype highly consistent with the associated gene (PMID: 24166829). Computational prediction algorithms indicate this variant is likely to affect gene or protein function. Given the available evidence, this variant is classified as Likely Pathogenic.

Baylor Genetics
Classification: Likely pathogenic for Argininosuccinate lyase deficiency. Last evaluated: 2024-02-28. Review status: criteria provided, single submitter. Criteria: ACMG Guidelines, 2015. Collection method: clinical testing. Allele origin: unknown.

Labcorp Genetics (formerly Invitae), Labcorp
Classification: Pathogenic for Argininosuccinate lyase deficiency. Last evaluated: 2023-10-14. Review status: criteria provided, single submitter. Criteria: Invitae Variant Classification Sherloc (09022015). Collection method: clinical testing. Allele origin: germline.
Comment: This sequence change affects codon 326 of the ASL mRNA. It is a 'silent' change, meaning that it does not change the encoded amino acid sequence of the ASL protein. This variant also falls at the last nucleotide of exon 13, which is part of the consensus splice site for this exon. This variant is present in population databases (rs764356037, gnomAD 0.007%). This variant has been observed in individual(s) with argininosuccinate lyase deficiency (PMID: 24166829, 30285816). ClinVar contains an entry for this variant (Variation ID: 426324). An algorithm developed to predict the effect of missense changes on protein structure and function (PolyPhen-2) suggests that this variant is likely to be disruptive. Variants that disrupt the consensus splice site are a relatively common cause of aberrant splicing (PMID: 17576681, 9536098). Algorithms developed to predict the effect of sequence changes on RNA splicing suggest that this variant may disrupt the consensus splice site. This variant disrupts the p.Gln326 amino acid residue in ASL. Other variant(s) that disrupt this residue have been observed in individuals with ASL-related conditions (PMID: 24166829), which suggests that this may be a clinically significant amino acid residue. For these reasons, this variant has been classified as Pathogenic.

GeneDx
Classification: Likely pathogenic. Last evaluated: 2018-06-28. Review status: criteria provided, single submitter. Criteria: GeneDx Variant Classification (06012015). Collection method: clinical testing. Allele origin: germline. Affected: yes.
Comment: The Q326H (c.978 G>C) variant has been published in association with argininosuccinic aciduria (Balmer et al. 2014). The Q326H (c.978 G>C) variant is not observed at a significant frequency in large population cohorts (Lek et al., 2016; 1000 Genomes Consortium et al., 2015; Exome Variant Server). The Q326H variant is a semi-conservative amino acid substitution, which may impact secondary protein structure as these residues differ in some properties. This substitution occurs at a position that is conserved across species. In silico analysis predicts the Q326H variant is probably damaging to the protein structure/function. A missense variant at the same residue (Q326L) has also been reported in association with argininosuccinic aciduria (Balmer et al. 2014), supporting the functional importance of this position of the protein. Furthermore, several in-silico splice prediction models predict that the c.978 G>C nucleotide substitution, resulting in Q326H, creates a cryptic donor site which may supplant the natural donor/acceptor site and lead to abnormal gene splicing. However, in the absence of RNA/functional studies, the actual effect of c.978 G>C on splicing in this individual is unknown. In summary, we interpret Q326H (c.978 G>C) as likely pathogenic.

Eurofins Ntd Llc (ga)
Classification: Likely pathogenic. Last evaluated: 2016-11-30. Review status: criteria provided, single submitter. Criteria: EGL Classification Definitions 2015. Collection method: clinical testing. Allele origin: germline. Observed: 1 variant allele, 1 heterozygote.

Kariminejad - Najmabadi Pathology & Genetics Center
Classification: Likely pathogenic for Argininosuccinate lyase deficiency. Review status: criteria provided, single submitter. Criteria: ACMG Guidelines, 2015. Collection method: clinical testing. Allele origin: germline. Affected: no.

Neuberg Centre For Genomic Medicine, NCGM
Classification: Likely pathogenic for Argininosuccinate lyase deficiency. Review status: criteria provided, single submitter. Criteria: ACMG Guidelines, 2015. Collection method: clinical testing. Allele origin: germline. Inheritance: Autosomal recessive inheritance. Affected: yes.
Comment: The missense variant p.Q326H in ASL (NM_000048.4) has been previously reported in individuals affected with Argininosuccinic aciduria (Balmer C et al, 2014). The p.Q326H variant has a gnomAD frequency of 0.001305 % and is novel (not in any individuals) in 1000 Genomes. The amino acid Gln at position 326 is changed to a His changing protein sequence and it might alter its composition and physico-chemical properties. The p.Q326H missense variant is predicted to be damaging by both SIFT and PolyPhen2. The glutamine residue at codon 326 of ASL is conserved in all mammalian species. The nucleotide c.978 in ASL is predicted conserved by GERP++ and PhyloP across 100 vertebrates. For these reasons, this variant has been classified as Likely Pathogenic.

Suma Genomics
Classification: Pathogenic for Argininosuccinate lyase deficiency. Review status: criteria provided, single submitter. Criteria: ACMG Guidelines, 2015. Collection method: clinical testing. Allele origin: inherited. Inheritance: Autosomal recessive inheritance. Affected: yes.

Literature cited by the submitters: PubMed 24166829 (cited by 3 submitters); PubMed 30285816 (cited by 3 submitters); PubMed 17576681 (cited by Labcorp Genetics (formerly Invitae), Labcorp); PubMed 9536098 (cited by Labcorp Genetics (formerly Invitae), Labcorp).